The following is an entry in ClinVar:

ClinVar aggregate classification (germline): Uncertain significance (1 of 4 stars; one submission).

Allele frequency attached by ClinVar (database versions not stated): gnomAD exomes 0.00001; gnomAD 0.00003; ESP Exome Variant Server 0.00008; ExAC 0.00001; TOPMed 0.00001.
gnomAD v4.1: 18 of 1,613,530 alleles (0.0011%); highest among the groups gnomAD compares: Non-Finnish European, 0.0015%; no homozygotes.

Submission:

Labcorp Genetics (formerly Invitae), Labcorp
Classification: Uncertain significance. Last evaluated: 2022-07-25. Review status: criteria provided, single submitter. Criteria: Invitae Variant Classification Sherloc (09022015). Collection method: clinical testing. Allele origin: germline.
Comment: In summary, the available evidence is currently insufficient to determine the role of this variant in disease. Therefore, it has been classified as a Variant of Uncertain Significance. Variants that disrupt the consensus splice site are a relatively common cause of aberrant splicing (PMID: 17576681, 9536098). Algorithms developed to predict the effect of sequence changes on RNA splicing suggest that this variant is not likely to affect RNA splicing. ClinVar contains an entry for this variant (Variation ID: 1462681). This variant has not been reported in the literature in individuals affected with PLOD3-related conditions. This variant is present in population databases (rs374610607, gnomAD 0.003%). This sequence change falls in intron 12 of the PLOD3 gene. It does not directly change the encoded amino acid sequence of the PLOD3 protein. It affects a nucleotide within the consensus splice site.

Literature cited by the submitters: PubMed 17576681; PubMed 9536098.

NM_001084.5(PLOD3):c.1359-3C>T

Gene: PLOD3 (procollagen-lysine,2-oxoglutarate 5-dioxygenase 3; minus strand). Cytogenetic location: 7q22.1.
Variant type: single nucleotide variant.
Coding change: c.1359-3C>T on transcript NM_001084.5 (MANE Select); 3 bases into the intron before coding-DNA position 1359, C replaced by T.
Molecular consequence: intron variant.
Genome position (GRCh38, 1-based): chr7:101,210,676, G>A on the plus strand (C>T on the coding strand, the complement: PLOD3 is on the minus strand). VCF-style: chr7-101210676-G-A. GRCh37 (hg19) VCF-style: chr7-100853957-G-A.
Identifiers: ClinVar variation 1462681 (VCV001462681.4), dbSNP rs374610607, ClinGen allele CA4407693.
Genomic context (GRCh38, chr7:101,210,676, plus strand): 5'-CAGGGTATCACCCCGGATCACATAGGCCTGGGAGATGTATGGTACATTCCACACACCCCT[G>A]GAGGCACCGACACCGCGGTCAGCTGGGAGGACAGCCCCCCAAATTCTGCCCAGCTCATCC-3'